The following is an entry in ClinVar:

NM_001198950.3(MYO16):c.1925+2T>C

Gene: MYO16 (myosin XVI; plus strand). Cytogenetic location: 13q33.3.
Variant type: single nucleotide variant.
Coding change: c.1925+2T>C on transcript NM_001198950.3 (MANE Select); the canonical splice donor site of the intron after coding-DNA position 1925, T replaced by C.
Molecular consequence: splice donor variant.
Genome position (GRCh38, 1-based): chr13:108,910,152, T>C. VCF-style: chr13-108910152-T-C. GRCh37 (hg19) VCF-style: chr13-109562500-T-C.
Other names: c.1859+2T>C (NM_015011.3).
Identifiers: ClinVar variation 3030683 (VCV003030683.2), dbSNP rs2502112117, ClinGen allele CA388718651.

ClinVar aggregate classification (germline): Uncertain significance (0 of 4 stars; one submission).

Conditions:
MYO16-related disorder. Also called: MYO16-related condition.

Submission:

PreventionGenetics, part of Exact Sciences
Classification: Uncertain significance for MYO16-related condition. Last evaluated: 2023-10-23. Review status: no assertion criteria provided. Collection method: clinical testing. Allele origin: germline.
Comment: The MYO16 c.1925+2T>C variant is predicted to disrupt the GT donor site and interfere with normal splicing. To our knowledge, this variant has not been reported in the literature or in a large population database, indicating this variant is rare. Loss of function variants in MYO16 are not an established mechanism of disease. At this time, the clinical significance of this variant is uncertain due to the absence of conclusive functional and genetic evidence.